The following is an entry in ClinVar:

ClinVar aggregate classification (germline): Likely pathogenic (1 of 4 stars; one submission).

Conditions:
Primary ciliary dyskinesia. Also called: Ciliary dyskinesia. Identifiers: Orphanet 244, MedGen C0008780, MONDO:0016575, HP:0012265.

Submission:

Natera, Inc.
Classification: Likely pathogenic for Primary ciliary dyskinesia. Last evaluated: 2024-06-04. Review status: criteria provided, single submitter. Criteria: Natera Variant Classification Schema (03/2026). Collection method: clinical testing. Allele origin: germline.
Comment: The c.9641C>G variant in DNAH5 is a nonsense variant predicted to introduce a stop codon at amino acid 3214. This variant is expected to result in nonsense mediated decay, truncation, or a dysfunctional protein product. This variant is rare in the general population with a frequency below the threshold expected for the associated phenotype(s). Given the available evidence, this variant is classified as Likely Pathogenic.

NM_001369.3(DNAH5):c.9641C>G (p.Ser3214Ter)

Gene: DNAH5 (dynein axonemal heavy chain 5; minus strand). Cytogenetic location: 5p15.2.
Variant type: single nucleotide variant.
Coding change: c.9641C>G on transcript NM_001369.3 (MANE Select); coding-DNA position 9641, C replaced by G.
Protein change: p.Ser3214Ter; replaces serine 3214 with a stop codon.
Molecular consequence: nonsense.
Genome position (GRCh38, 1-based): chr5:13,769,580, G>C on the plus strand (C>G on the coding strand, the complement: DNAH5 is on the minus strand). VCF-style: chr5-13769580-G-C. GRCh37 (hg19) VCF-style: chr5-13769689-G-C.
Other names: short protein forms S3214*.
Identifiers: ClinVar variation 4814923 (VCV004814923.1).
Genomic context (GRCh38, chr5:13,769,580, plus strand): 5'-GCCACTTGTAGCTCCTTTTCTTTCGCTTCCAGTTCTTTACTCAAGGCTGCAACAGACTCT[G>C]AAGCTTCTTTGAGCTTTTCCAATCCAGTATTCATTCTGGGATTGAAAATCCAAGCAAGCA-3'